The following is an entry in ClinVar:

NM_002907.4(RECQL):c.1096C>G (p.Gln366Glu)

Gene: RECQL (RecQ like helicase; minus strand). Cytogenetic location: 12p12.1.
Variant type: single nucleotide variant.
Coding change: c.1096C>G on transcript NM_002907.4 (MANE Select); coding-DNA position 1096, C replaced by G.
Protein change: p.Gln366Glu; replaces glutamine 366 with glutamic acid.
Molecular consequence: missense variant.
Genome position (GRCh38, 1-based): chr12:21,475,678, G>C on the plus strand (C>G on the coding strand, the complement: RECQL is on the minus strand). VCF-style: chr12-21475678-G-C. GRCh37 (hg19) VCF-style: chr12-21628612-G-C.
Other names: c.1096C>G, p.Gln366Glu (NM_032941.3); short protein forms Q366E.
Identifiers: ClinVar variation 4576962 (VCV004576962.1).

ClinVar aggregate classification (germline): Uncertain significance (1 of 4 stars; one submission).

Submission:

Ambry Genetics
Classification: Uncertain significance. Last evaluated: 2025-12-07. Review status: criteria provided, single submitter. Criteria: Ambry Variant Classification Scheme 2023. Collection method: clinical testing. Allele origin: germline.
Comment: The p.Q366E variant (also known as c.1096C>G), located in coding exon 8 of the RECQL gene, results from a C to G substitution at nucleotide position 1096. The glutamine at codon 366 is replaced by glutamic acid, an amino acid with highly similar properties. This amino acid position is conserved. In addition, this alteration is predicted to be deleterious by in silico analysis. Based on the available evidence, the clinical significance of this variant remains unclear.